The following is an entry in ClinVar:

NM_005359.6(SMAD4):c.1023del (p.Pro342fs)

Gene: SMAD4 (SMAD family member 4; plus strand). Cytogenetic location: 18q21.2.
Variant type: Deletion.
Coding change: c.1023del on transcript NM_005359.6 (MANE Select); coding-DNA position 1023, one base deleted (T; older notation c.1023delT).
Protein change: p.Pro342fs; shifts the reading frame from proline 342.
Molecular consequence: frameshift variant.
Genome position (GRCh38, 1-based): chr18:51,065,490, T deleted; the last of 2 consecutive T bases (chr18:51,065,489-51,065,490); deleting either gives the same sequence. VCF-style (leftmost placement, unchanged base first): chr18-51065488-GT-G. GRCh37 (hg19) VCF-style: chr18-48591858-GT-G.
Other names: c.1023delT (NM_005359.5); short protein forms P342fs.
Identifiers: ClinVar variation 486447 (VCV000486447.15), dbSNP rs1555686469, ClinGen allele CA658658744.
Genomic context (GRCh38, chr18:51,065,488, plus strand): 5'-GAGTATTGGTGTTCCATTGCTTACTTTGAAATGGATGTTCAGGTAGGAGAGACATTTAAG[GT>G]TCCTTCAAGCTGCCCTATTGTTACTGTTGATGGATACGTGGACCCTTCTGGAGGAGATCG-3'

ClinVar aggregate classification (germline): Pathogenic. Review status: criteria provided, multiple submitters, no conflicts (2 of 4 stars). 4 submissions from 4 submitters: Pathogenic (4). Last evaluated 2024-02-09.

Conditions:
Hereditary cancer-predisposing syndrome. Also called: Hereditary neoplastic syndrome; Tumor predisposition; Neoplastic Syndromes, Hereditary; Hereditary Cancer Syndrome. Identifiers: Orphanet 140162, MedGen C0027672, MeSH D009386, MONDO:0015356.
Familial thoracic aortic aneurysm and aortic dissection (TAAD). Also called: Thoracic aortic aneurysms and dissections. Identifiers: Orphanet 91387, MedGen C4707243, MONDO:0019625.
Juvenile polyposis syndrome (JPS). Identifiers: Orphanet 2929, MedGen C0345893, MONDO:0017380, OMIM 174900.
Juvenile polyposis/hereditary hemorrhagic telangiectasia syndrome (JPHT). Also called: Juvenile Polyposis Syndrome / Hereditary Hemorrhagic Telangiectasia (JPS/HHT); JP/HHT SYNDROME; JUVENILE POLYPOSIS WITH HEREDITARY HEMORRHAGIC TELANGIECTASIA; POLYPOSIS, GENERALIZED JUVENILE, WITH PULMONARY ARTERIOVENOUS MALFORMATION; TELANGIECTASIA, HEREDITARY HEMORRHAGIC, WITH JUVENILE POLYPOSIS COLI. Identifiers: Orphanet 2929, MedGen C1832942, MONDO:0008278, OMIM 175050.

Submissions (4):

Myriad Genetics, Inc.
Classification: Pathogenic for Juvenile polyposis/hereditary hemorrhagic telangiectasia syndrome. Last evaluated: 2024-02-09. Review status: criteria provided, single submitter. Criteria: Myriad Autosomal Dominant, Autosomal Recessive and X-Linked Classification Criteria (2023). Collection method: clinical testing. Allele origin: unknown.
Comment: This variant is considered pathogenic. This variant creates a frameshift predicted to result in premature protein truncation.

National Institute of Allergy and Infectious Diseases - Centralized Sequencing Program, National Institutes of Health
Classification: Pathogenic for Juvenile polyposis/hereditary hemorrhagic telangiectasia syndrome. Last evaluated: 2021-08-06. Review status: criteria provided, single submitter. Criteria: ACMG Guidelines, 2015. Collection method: clinical testing. Allele origin: germline. Affected: yes.

Labcorp Genetics (formerly Invitae), Labcorp
Classification: Pathogenic for Juvenile polyposis syndrome. Last evaluated: 2019-11-27. Review status: criteria provided, single submitter. Criteria: Invitae Variant Classification Sherloc (09022015). Collection method: clinical testing. Allele origin: germline.
Comment: This variant is not present in population databases (ExAC no frequency). For these reasons, this variant has been classified as Pathogenic. Loss-of-function variants in SMAD4 are known to be pathogenic (PMID: 16152648, 16436638, 22810475). This variant has not been reported in the literature in individuals with SMAD4-related conditions. ClinVar contains an entry for this variant (Variation ID: 486447). This sequence change creates a premature translational stop signal (p.Pro342Leufs*42) in the SMAD4 gene. It is expected to result in an absent or disrupted protein product.

Ambry Genetics
Classification: Pathogenic for Hereditary cancer-predisposing syndrome; Familial thoracic aortic aneurysm and aortic dissection. Last evaluated: 2019-11-04. Review status: criteria provided, single submitter. Criteria: Ambry Variant Classification Scheme 2023. Collection method: clinical testing. Allele origin: germline.
Comment: The c.1023delT pathogenic mutation, located in coding exon 8 of the SMAD4 gene, results from a deletion of one nucleotide at nucleotide position 1023, causing a translational frameshift with a predicted alternate stop codon (p.P342Lfs*42). This alteration is expected to result in loss of function by premature protein truncation or nonsense-mediated mRNA decay. As such, this alteration is interpreted as a disease-causing mutation.

Literature cited by the submitters: PubMed 16152648 (cited by Labcorp Genetics (formerly Invitae), Labcorp); PubMed 16436638 (cited by Labcorp Genetics (formerly Invitae), Labcorp); PubMed 22810475 (cited by Labcorp Genetics (formerly Invitae), Labcorp).